The following is an entry in ClinVar:

NM_000090.4(COL3A1):c.1089T>C (p.Gly363=)

Gene: COL3A1 (collagen type III alpha 1 chain; plus strand). Cytogenetic location: 2q32.2.
Variant type: single nucleotide variant.
Coding change: c.1089T>C on transcript NM_000090.4 (MANE Select); coding-DNA position 1089, T replaced by C.
Protein change: p.Gly363=; no amino-acid change (glycine 363 retained).
Molecular consequence: synonymous variant.
Genome position (GRCh38, 1-based): chr2:188,993,399, T>C. VCF-style: chr2-188993399-T-C. GRCh37 (hg19) VCF-style: chr2-189858125-T-C.
Identifiers: ClinVar variation 3071942 (VCV003071942.2), dbSNP rs2469126037, ClinGen allele CA430309351.

ClinVar aggregate classification (germline): Likely benign. Review status: criteria provided, multiple submitters, no conflicts (2 of 4 stars). 2 submissions from 2 submitters: Likely benign (2). Last evaluated 2025-11-22.

Conditions:
Ehlers-Danlos syndrome, type 4 (EDSVASC). Also called: Ehlers-Danlos Syndrome Type IV; Ehlers-Danlos syndrome vascular type; Ehlers Danlos syndrome, ecchymotic type; Ehlers Danlos syndrome, arterial type; Ehlers Danlos syndrome, Sack-Barabas type. Identifiers: Orphanet 286, MedGen C0268338, MONDO:0017314, OMIM 130050.

Allele frequency attached by ClinVar (database versions not stated): gnomAD exomes below 0.00001.
gnomAD v4.1: 4 of 1,570,164 alleles (0.00025%); highest among the groups gnomAD compares: Non-Finnish European, 0.00035%; no homozygotes.

Submissions (2):

Labcorp Genetics (formerly Invitae), Labcorp
Classification: Likely benign for Ehlers-Danlos syndrome, type 4. Last evaluated: 2025-11-22. Review status: criteria provided, single submitter. Criteria: Invitae Variant Classification Sherloc (09022015). Collection method: clinical testing. Allele origin: germline.

All of Us Research Program, National Institutes of Health
Classification: Likely benign for Ehlers-Danlos syndrome, type 4. Last evaluated: 2023-06-26. Review status: criteria provided, single submitter. Criteria: ACMG Guidelines, 2015. Collection method: clinical testing. Allele origin: germline. Inheritance: Autosomal dominant inheritance. Observed: 1 variant allele, 1 heterozygote.
Comment: This study involves interpretation of variants in research participants for the purpose of population health screening. Participant phenotype was not available at the time of variant classification. Additional details can be found in publication PMID: 35346344, PMCID: PMC8962531